The following is an entry in ClinVar:

ClinVar aggregate classification (germline): Uncertain significance (1 of 4 stars; one submission).

Conditions:
Weaver syndrome (WVS). Also called: Weaver Smith syndrome; Overgrowth syndrome with accelerated skeletal maturation, unusual facies, and camptodactyly. Identifiers: Orphanet 3447, MedGen C0265210, MONDO:0010193, OMIM 277590.

gnomAD v4.1: 2 of 1,614,112 alleles (0.00012%); highest among the groups gnomAD compares: Non-Finnish European, 0.00017%; no homozygotes.

Submission:

Labcorp Genetics (formerly Invitae), Labcorp
Classification: Uncertain significance for Weaver syndrome. Last evaluated: 2025-02-04. Review status: criteria provided, single submitter. Criteria: Invitae Variant Classification Sherloc (09022015). Collection method: clinical testing. Allele origin: germline.
Comment: This sequence change affects codon 502 of the EZH2 mRNA. It is a 'silent' change, meaning that it does not change the encoded amino acid sequence of the EZH2 protein. It affects a nucleotide within the consensus splice site. This variant is not present in population databases (gnomAD no frequency). This variant has not been reported in the literature in individuals affected with EZH2-related conditions. Algorithms developed to predict the effect of sequence changes on RNA splicing suggest that this variant is not likely to affect RNA splicing. In summary, the available evidence is currently insufficient to determine the role of this variant in disease. Therefore, it has been classified as a Variant of Uncertain Significance.

NM_004456.5(EZH2):c.1506G>A (p.Arg502=)

Gene: EZH2 (enhancer of zeste 2 polycomb repressive complex 2 subunit; minus strand). Cytogenetic location: 7q36.1.
Variant type: single nucleotide variant.
Coding change: c.1506G>A on transcript NM_004456.5 (MANE Select); coding-DNA position 1506, G replaced by A.
Protein change: p.Arg502=; no amino-acid change (arginine 502 retained).
Molecular consequence: synonymous variant.
Genome position (GRCh38, 1-based): chr7:148,815,546, C>T on the plus strand (G>A on the coding strand, the complement: EZH2 is on the minus strand). VCF-style: chr7-148815546-C-T. GRCh37 (hg19) VCF-style: chr7-148512638-C-T.
Other names: c.1491G>A, p.Arg497= (NM_001203247.2); c.1464G>A, p.Arg488= (NM_001203248.2, NM_001203249.2); c.1374G>A, p.Arg458= (NM_152998.3).
Identifiers: ClinVar variation 4712938 (VCV004712938.1).